The following is an entry in ClinVar:

NM_001048174.2(MUTYH):c.379-14G>A

Gene: MUTYH (mutY DNA glycosylase; minus strand). Cytogenetic location: 1p34.1.
Variant type: single nucleotide variant.
Coding change: c.379-14G>A on transcript NM_001048174.2 (MANE Select); 14 bases into the intron before coding-DNA position 379, G replaced by A.
Molecular consequence: intron variant.
Genome position (GRCh38, 1-based): chr1:45,332,973, C>T on the plus strand (G>A on the coding strand, the complement: MUTYH is on the minus strand). VCF-style: chr1-45332973-C-T. GRCh37 (hg19) VCF-style: chr1-45798645-C-T.
Other names: c.34-14G>A (NM_001350651.2, NM_001350650.2); c.103-14G>A (NM_001293192.2, NM_001293196.2); c.379-14G>A (NM_001048171.2, NM_001048173.2, NM_001293195.2); c.424-14G>A (NM_001293190.2); c.454-14G>A (NM_012222.3); c.463-14G>A (NM_001128425.2); c.382-14G>A (NM_001048172.2); c.412-14G>A (NM_001293191.2).
Identifiers: ClinVar variation 379507 (VCV000379507.12), dbSNP rs773394286, ClinGen allele CA057881.

ClinVar aggregate classification (germline): Likely benign. Review status: criteria provided, multiple submitters, no conflicts (2 of 4 stars). 4 submissions from 4 submitters: Likely benign (4). Last evaluated 2026-01-06.

Conditions:
Hereditary cancer-predisposing syndrome. Also called: Neoplastic Syndromes, Hereditary; Hereditary Cancer Syndrome; Hereditary neoplastic syndrome; Tumor predisposition. Identifiers: Orphanet 140162, MedGen C0027672, MeSH D009386, MONDO:0015356.
Familial adenomatous polyposis 2. Also called: ADENOMAS, MULTIPLE COLORECTAL, AUTOSOMAL RECESSIVE; MYH-associated polyposis; Adenomas, multiple colorectal; MUTYH Polyposis; COLORECTAL ADENOMATOUS POLYPOSIS, AUTOSOMAL RECESSIVE; FAP type 2. Identifiers: Orphanet 220460, Orphanet 247798, MedGen C3272841, MONDO:0012041, OMIM 608456.

Allele frequency attached by ClinVar (database versions not stated): gnomAD exomes below 0.00001 and 0.00003; gnomAD 0.00001; TOPMed 0.00001; ExAC 0.00002.
gnomAD v4.1: 8 of 1,614,024 alleles (0.0005%); highest among the groups gnomAD compares: East Asian, 0.016%; no homozygotes.

Submissions (4):

Labcorp Genetics (formerly Invitae), Labcorp
Classification: Likely benign for Familial adenomatous polyposis 2. Last evaluated: 2026-01-06. Review status: criteria provided, single submitter. Criteria: Invitae Variant Classification Sherloc (09022015). Collection method: clinical testing. Allele origin: germline.

Department of Pathology and Laboratory Medicine, Sinai Health System
Classification: Likely benign for Familial adenomatous polyposis 2. Last evaluated: 2024-10-04. Review status: criteria provided, single submitter. Criteria: ACMG Guidelines, 2015. Collection method: clinical testing. Allele origin: germline. Affected: yes.

Color Diagnostics, LLC DBA Color Health
Classification: Likely benign for Hereditary cancer-predisposing syndrome. Last evaluated: 2016-06-06. Review status: criteria provided, single submitter. Criteria: ACMG Guidelines, 2015. Collection method: clinical testing. Allele origin: germline.

GeneDx
Classification: Likely benign. Last evaluated: 2015-12-24. Review status: criteria provided, single submitter. Criteria: GeneDx Variant Classification (06012015). Collection method: clinical testing. Allele origin: germline. Affected: yes.
Comment: This variant is considered likely benign or benign based on one or more of the following criteria: it is a conservative change, it occurs at a poorly conserved position in the protein, it is predicted to be benign by multiple in silico algorithms, and/or has population frequency not consistent with disease.